The following is an entry in ClinVar:

NM_139055.4(ADAMTS15):c.486T>A (p.Val162=)

Gene: ADAMTS15 (ADAM metallopeptidase with thrombospondin type 1 motif 15; plus strand). Cytogenetic location: 11q24.3.
Variant type: single nucleotide variant.
Coding change: c.486T>A on transcript NM_139055.4 (MANE Select); coding-DNA position 486, T replaced by A.
Protein change: p.Val162=; no amino-acid change (valine 162 retained).
Molecular consequence: synonymous variant.
Genome position (GRCh38, 1-based): chr11:130,449,459, T>A. VCF-style: chr11-130449459-T-A. GRCh37 (hg19) VCF-style: chr11-130319354-T-A.
Identifiers: ClinVar variation 4823022 (VCV004823022.4).

ClinVar aggregate classification (germline): Likely benign (1 of 4 stars; one submission).

gnomAD v4.1: 1 of 1,576,134 alleles (0.000063%); highest among the groups gnomAD compares: East Asian, 0.0023%; no homozygotes.

Submission:

CeGaT Center for Human Genetics Tuebingen
Classification: Likely benign. Last evaluated: 2026-01-01. Review status: criteria provided, single submitter. Criteria: CeGaT Center For Human Genetics Tuebingen Variant Classification Criteria Version 2. Collection method: clinical testing. Allele origin: germline. Affected: yes. Observed: 1 variant allele.
Comment: ADAMTS15: BP4, BP7